The following is an entry in ClinVar:

ClinVar aggregate classification (germline): Uncertain significance (1 of 4 stars; one submission).

Submission:

Labcorp Genetics (formerly Invitae), Labcorp
Classification: Uncertain significance. Last evaluated: 2022-06-28. Review status: criteria provided, single submitter. Criteria: Invitae Variant Classification Sherloc (09022015). Collection method: clinical testing. Allele origin: germline.
Comment: This variant is not present in population databases (gnomAD no frequency). This sequence change replaces valine, which is neutral and non-polar, with leucine, which is neutral and non-polar, at codon 227 of the FAR1 protein (p.Val227Leu). This variant has not been reported in the literature in individuals affected with FAR1-related conditions. In summary, the available evidence is currently insufficient to determine the role of this variant in disease. Therefore, it has been classified as a Variant of Uncertain Significance. Algorithms developed to predict the effect of missense changes on protein structure and function are either unavailable or do not agree on the potential impact of this missense change (SIFT: "Deleterious"; PolyPhen-2: "Benign"; Align-GVGD: "Class C0").

NM_032228.6(FAR1):c.679G>T (p.Val227Leu)

Gene: FAR1 (fatty acyl-CoA reductase 1; plus strand). Cytogenetic location: 11p15.3.
Variant type: single nucleotide variant.
Coding change: c.679G>T on transcript NM_032228.6 (MANE Select); coding-DNA position 679, G replaced by T.
Protein change: p.Val227Leu; replaces valine 227 with leucine.
Molecular consequence: missense variant.
Genome position (GRCh38, 1-based): chr11:13,710,826, G>T. VCF-style: chr11-13710826-G-T. GRCh37 (hg19) VCF-style: chr11-13732373-G-T.
Other names: short protein forms V227L.
Identifiers: ClinVar variation 1382591 (VCV001382591.6), dbSNP rs1848489912, ClinGen allele CA379857447.